The following is an entry in ClinVar:

ClinVar aggregate classification (germline): Uncertain significance. Review status: criteria provided, multiple submitters, no conflicts (2 of 4 stars). 2 submissions from 2 submitters: Uncertain significance (2). Last evaluated 2024-11-11.

Conditions:
Familial expansile osteolysis (FEO). Also called: POLYOSTOTIC OSTEOLYTIC DYSPLASIA, HEREDITARY EXPANSILE; MCCABE DISEASE. Identifiers: Orphanet 85195, MedGen C0432292, MONDO:0008275, OMIM 174810.
Autosomal recessive osteopetrosis 7. Identifiers: Orphanet 178389, MedGen C2676766, MONDO:0012859, OMIM 612301.
Paget disease of bone 2, early-onset (PDB2). Also called: Paget disease of bone 2. Identifiers: MedGen C4085251, MONDO:0011183, OMIM 602080.

Allele frequency attached by ClinVar (database versions not stated): gnomAD 0.00001; TOPMed 0.00001; ExAC 0.00002; gnomAD exomes 0.00002.
gnomAD v4.1: 26 of 1,614,112 alleles (0.0016%); highest among the groups gnomAD compares: East Asian, 0.0045%; no homozygotes.

Submissions (2):

Labcorp Genetics (formerly Invitae), Labcorp
Classification: Uncertain significance. Last evaluated: 2024-11-11. Review status: criteria provided, single submitter. Criteria: Invitae Variant Classification Sherloc (09022015). Collection method: clinical testing. Allele origin: germline.
Comment: This sequence change replaces arginine, which is basic and polar, with glutamine, which is neutral and polar, at codon 45 of the TNFRSF11A protein (p.Arg45Gln). This variant is present in population databases (rs779581026, gnomAD 0.003%). This variant has not been reported in the literature in individuals affected with TNFRSF11A-related conditions. ClinVar contains an entry for this variant (Variation ID: 1446865). Invitae Evidence Modeling of protein sequence and biophysical properties (such as structural, functional, and spatial information, amino acid conservation, physicochemical variation, residue mobility, and thermodynamic stability) indicates that this missense variant is not expected to disrupt TNFRSF11A protein function with a negative predictive value of 80%. In summary, the available evidence is currently insufficient to determine the role of this variant in disease. Therefore, it has been classified as a Variant of Uncertain Significance.

Fulgent Genetics
Classification: Uncertain significance for Familial expansile osteolysis; Paget disease of bone 2, early-onset; Autosomal recessive osteopetrosis 7. Last evaluated: 2024-02-02. Review status: criteria provided, single submitter. Criteria: ACMG Guidelines, 2015. Collection method: clinical testing. Allele origin: germline.

NM_003839.4(TNFRSF11A):c.134G>A (p.Arg45Gln)

Gene: TNFRSF11A (TNF receptor superfamily member 11a; plus strand). Cytogenetic location: 18q21.33.
Variant type: single nucleotide variant.
Coding change: c.134G>A on transcript NM_003839.4 (MANE Select); coding-DNA position 134, G replaced by A.
Protein change: p.Arg45Gln; replaces arginine 45 with glutamine.
Molecular consequence: missense variant.
Genome position (GRCh38, 1-based): chr18:62,348,226, G>A. VCF-style: chr18-62348226-G-A. GRCh37 (hg19) VCF-style: chr18-60015459-G-A.
Other names: c.134G>A, p.Arg45Gln (NM_001270949.2, NM_001270950.2, NM_001270951.2 and 1 more transcripts); short protein forms R45Q.
Identifiers: ClinVar variation 1446865 (VCV001446865.9), dbSNP rs779581026, ClinGen allele CA8983650.
Genomic context (GRCh38, chr18:62,348,226, plus strand): 5'-AGGTGGCTTTGCAGATCGCTCCTCCATGTACCAGTGAGAAGCATTATGAGCATCTGGGAC[G>A]GTGCTGTAACAAATGTGAACCAGGTACACCTGCTTCTGAGCCACCTTGCATTGCCCCTCA-3'
Protein context (NP_003830.1, residues 35-55): TSEKHYEHLG[Arg45Gln]CCNKCEPGKY